The following is an entry in ClinVar:

ClinVar aggregate classification (germline): Uncertain significance (1 of 4 stars; one submission).

Submission:

Ambry Genetics
Classification: Uncertain significance. Last evaluated: 2025-11-30. Review status: criteria provided, single submitter. Criteria: Ambry Variant Classification Scheme 2023. Collection method: clinical testing. Allele origin: germline.
Comment: The p.A1463P variant (also known as c.4387G>C), located in coding exon 19 of the WNK2 gene, results from a G to C substitution at nucleotide position 4387. The alanine at codon 1463 is replaced by proline, an amino acid with highly similar properties. This amino acid position is conserved. In addition, this alteration is predicted to be tolerated by in silico analysis. Based on the available evidence, the clinical significance of this variant remains unclear.

NM_006648.4(WNK2):c.4387G>C (p.Ala1463Pro)

Gene: WNK2 (WNK lysine deficient protein kinase 2; plus strand). Cytogenetic location: 9q22.31.
Variant type: single nucleotide variant.
Coding change: c.4387G>C on transcript NM_006648.4 (MANE Select); coding-DNA position 4387, G replaced by C.
Protein change: p.Ala1463Pro; replaces alanine 1463 with proline.
Molecular consequence: missense variant.
Genome position (GRCh38, 1-based): chr9:93,289,141, G>C. VCF-style: chr9-93289141-G-C. GRCh37 (hg19) VCF-style: chr9-96051423-G-C.
Other names: c.4498G>C, p.Ala1500Pro (NM_001282394.3); short protein forms A1463P, A1500P.
Identifiers: ClinVar variation 4605408 (VCV004605408.1).